The following is an entry in ClinVar:

ClinVar aggregate classification (germline): Uncertain significance. Review status: criteria provided, multiple submitters, no conflicts (2 of 4 stars). 3 submissions from 3 submitters: Uncertain significance (3). Last evaluated 2025-11-06.

Conditions:
Familial adenomatous polyposis 1 (FAP1). Also called: FAMILIAL ADENOMATOUS POLYPOSIS 1, ATTENUATED; POLYPOSIS, ADENOMATOUS INTESTINAL. Identifiers: MedGen C2713442, MONDO:0021056, OMIM 175100. Disease mechanism: loss of function.
Hereditary cancer-predisposing syndrome. Also called: Hereditary neoplastic syndrome; Neoplastic Syndromes, Hereditary; Tumor predisposition; Hereditary Cancer Syndrome. Identifiers: Orphanet 140162, MedGen C0027672, MeSH D009386, MONDO:0015356.

Allele frequency attached by ClinVar (database versions not stated): gnomAD exomes below 0.00001.
gnomAD v4.1: 1 of 1,613,962 alleles (0.000062%); highest among the groups gnomAD compares: Non-Finnish European, 0.000085%; no homozygotes.

Submissions (3):

Labcorp Genetics (formerly Invitae), Labcorp
Classification: Uncertain significance for Familial adenomatous polyposis 1. Last evaluated: 2025-11-06. Review status: criteria provided, single submitter. Criteria: Invitae Variant Classification Sherloc (09022015). Collection method: clinical testing. Allele origin: germline.
Comment: This sequence change replaces isoleucine, which is neutral and non-polar, with methionine, which is neutral and non-polar, at codon 1987 of the APC protein (p.Ile1987Met). This variant is present in population databases (no rsID available, gnomAD 0.0009%). This variant has not been reported in the literature in individuals affected with APC-related conditions. ClinVar contains an entry for this variant (Variation ID: 565709). Invitae Evidence Modeling of protein sequence and biophysical properties (such as structural, functional, and spatial information, amino acid conservation, physicochemical variation, residue mobility, and thermodynamic stability) indicates that this missense variant is not expected to disrupt APC protein function with a negative predictive value of 95%. In summary, the available evidence is currently insufficient to determine the role of this variant in disease. Therefore, it has been classified as a Variant of Uncertain Significance.

Baylor Genetics
Classification: Uncertain significance for Familial adenomatous polyposis 1. Last evaluated: 2023-10-23. Review status: criteria provided, single submitter. Criteria: ACMG Guidelines, 2015. Collection method: clinical testing. Allele origin: unknown.

Ambry Genetics
Classification: Uncertain significance for Hereditary cancer-predisposing syndrome. Last evaluated: 2023-07-24. Review status: criteria provided, single submitter. Criteria: Ambry Variant Classification Scheme 2023. Collection method: clinical testing. Allele origin: germline.
Comment: The p.I1987M variant (also known as c.5961C>G), located in coding exon 15 of the APC gene, results from a C to G substitution at nucleotide position 5961. The isoleucine at codon 1987 is replaced by methionine, an amino acid with highly similar properties. This amino acid position is conserved. In addition, in silico predictors for this gene do not accurately predict pathogenicity. Since supporting evidence is limited at this time, the clinical significance of this alteration remains unclear.

NM_000038.6(APC):c.5961C>G (p.Ile1987Met)

Gene: APC (APC regulator of Wnt signaling pathway; plus strand). Cytogenetic location: 5q22.2.
Variant type: single nucleotide variant.
Coding change: c.5961C>G on transcript NM_000038.6 (MANE Select); coding-DNA position 5961, C replaced by G.
Protein change: p.Ile1987Met; replaces isoleucine 1987 with methionine.
Molecular consequence: missense variant.
Genome position (GRCh38, 1-based): chr5:112,841,555, C>G. VCF-style: chr5-112841555-C-G. GRCh37 (hg19) VCF-style: chr5-112177252-C-G.
Other names: c.5961C>G, p.Ile1987Met (NM_001127510.3, NM_001354895.2); c.5907C>G, p.Ile1969Met (NM_001127511.3); c.6015C>G, p.Ile2005Met (NM_001354896.2); c.5991C>G, p.Ile1997Met (NM_001354897.2); c.5886C>G, p.Ile1962Met (NM_001354898.2); c.5877C>G, p.Ile1959Met (NM_001354899.2); c.5838C>G, p.Ile1946Met (NM_001354900.2); c.5784C>G, p.Ile1928Met (NM_001354901.2); and 5 more; short protein forms I1987M, I1969M, I1928M, I1861M, I1946M, I1962M, I1704M, I1827M.
Identifiers: ClinVar variation 565709 (VCV000565709.11), dbSNP rs1561604076, ClinGen allele CA16034381.